The following is an entry in ClinVar:

ClinVar aggregate classification (germline): Benign (1 of 4 stars; one submission).

Conditions:
Familial cancer of breast. Also called: BREAST CANCER, FAMILIAL; Hereditary breast cancer; hereditary breast carcinoma. Identifiers: Orphanet 227535, MedGen C0346153, MONDO:0016419, OMIM 114480. Disease mechanism: loss of function.

Submission:

Myriad Genetics, Inc.
Classification: Benign for Familial cancer of breast. Last evaluated: 2024-05-20. Review status: criteria provided, single submitter. Criteria: Myriad Autosomal Dominant, Autosomal Recessive and X-Linked Classification Criteria (2023). Collection method: clinical testing. Allele origin: unknown.
Comment: This variant is considered benign. This variant is a silent/synonymous amino acid change and it is not expected to impact splicing.

NM_000051.4(ATM):c.4692T>G (p.Pro1564=)

Gene: ATM (ATM serine/threonine kinase; plus strand). Cytogenetic location: 11q22.3.
Variant type: single nucleotide variant.
Coding change: c.4692T>G on transcript NM_000051.4 (MANE Select); coding-DNA position 4692, T replaced by G.
Protein change: p.Pro1564=; no amino-acid change (proline 1564 retained).
Molecular consequence: synonymous variant.
Genome position (GRCh38, 1-based): chr11:108,293,393, T>G. VCF-style: chr11-108293393-T-G. GRCh37 (hg19) VCF-style: chr11-108164120-T-G.
Other names: c.4692T>G, p.Pro1564= (NM_001351834.2).
Identifiers: ClinVar variation 3253906 (VCV003253906.1), dbSNP rs2135811994.